The following is an entry in ClinVar:

NM_015631.6(TCTN3):c.380+10G>C

Gene: TCTN3 (tectonic family member 3; minus strand). Cytogenetic location: 10q24.1.
Variant type: single nucleotide variant.
Coding change: c.380+10G>C on transcript NM_015631.6 (MANE Select); 10 bases into the intron after coding-DNA position 380, G replaced by C.
Molecular consequence: intron variant.
Genome position (GRCh38, 1-based): chr10:95,693,343, C>G on the plus strand (G>C on the coding strand, the complement: TCTN3 is on the minus strand). VCF-style: chr10-95693343-C-G. GRCh37 (hg19) VCF-style: chr10-97453100-C-G.
Other names: c.380+10G>C (NM_001143973.2, NM_001410982.1).
Identifiers: ClinVar variation 3032319 (VCV003032319.2), dbSNP rs1437257690, ClinGen allele CA595350461.
Genomic context (GRCh38, chr10:95,693,343, plus strand): 5'-CTTACATCCAAATGTTACCCGTTGTAGGCCCCAAACCCCTTTAGGATTCAGTCTGAGCAA[C>G]GAAGCTCACCTTACGCTGCCTGGAAGGCAGAAGGAGAAAACTGTCCTCGGATGGAGAAGA-3'

ClinVar aggregate classification (germline): Likely benign (0 of 4 stars; one submission).

Conditions:
TCTN3-related disorder. Also called: TCTN3-related condition.

Allele frequency attached by ClinVar (database versions not stated): gnomAD exomes below 0.00001.
gnomAD v4.1: 2 of 1,551,784 alleles (0.00013%); highest among the groups gnomAD compares: Non-Finnish European, 0.00017%; no homozygotes.

Submission:

PreventionGenetics, part of Exact Sciences
Classification: Likely benign for TCTN3-related condition. Last evaluated: 2020-08-14. Review status: no assertion criteria provided. Collection method: clinical testing. Allele origin: germline.
Comment: This variant is classified as likely benign based on ACMG/AMP sequence variant interpretation guidelines (Richards et al. 2015 PMID: 25741868, with internal and published modifications).